The following is an entry in ClinVar:

NM_003442.6(ZNF143):c.1700C>G (p.Ala567Gly)

Gene: ZNF143 (zinc finger protein 143; plus strand). Cytogenetic location: 11p15.4.
Variant type: single nucleotide variant.
Coding change: c.1700C>G on transcript NM_003442.6 (MANE Select); coding-DNA position 1700, C replaced by G.
Protein change: p.Ala567Gly; replaces alanine 567 with glycine.
Molecular consequence: missense variant.
Genome position (GRCh38, 1-based): chr11:9,525,253, C>G. VCF-style: chr11-9525253-C-G. GRCh37 (hg19) VCF-style: chr11-9546800-C-G.
Other names: c.1697C>G, p.Ala566Gly (NM_001282656.2); c.1607C>G, p.Ala536Gly (NM_001282657.2); short protein forms A567G, A536G, A566G.
Identifiers: ClinVar variation 2754089 (VCV002754089.3), dbSNP rs77240493, ClinGen allele CA5879717.

ClinVar aggregate classification (germline): Uncertain significance (1 of 4 stars; one submission).

Allele frequency attached by ClinVar (database versions not stated): TOPMed 0.00002; gnomAD 0.00010; ExAC 0.00012; gnomAD exomes 0.00020; 1000 Genomes Project 30x 0.00047; 1000 Genomes Project 0.00060.
gnomAD v4.1: 302 of 1,614,118 alleles (0.019%); highest among the groups gnomAD compares: East Asian, 0.67%; 1 homozygote.

Submission:

Labcorp Genetics (formerly Invitae), Labcorp
Classification: Uncertain significance. Last evaluated: 2023-09-29. Review status: criteria provided, single submitter. Criteria: Invitae Variant Classification Sherloc (09022015). Collection method: clinical testing. Allele origin: germline.
Comment: This sequence change replaces alanine, which is neutral and non-polar, with glycine, which is neutral and non-polar, at codon 567 of the ZNF143 protein (p.Ala567Gly). This variant is present in population databases (rs77240493, gnomAD 0.1%), and has an allele count higher than expected for a pathogenic variant. This variant has not been reported in the literature in individuals affected with ZNF143-related conditions. An algorithm developed to predict the effect of missense changes on protein structure and function (PolyPhen-2) suggests that this variant is likely to be tolerated. In summary, the available evidence is currently insufficient to determine the role of this variant in disease. Therefore, it has been classified as a Variant of Uncertain Significance.